The following is an entry in ClinVar:

ClinVar aggregate classification (germline): Uncertain significance (1 of 4 stars; one submission).

gnomAD v4.1: 10 of 1,613,956 alleles (0.00062%); highest among the groups gnomAD compares: East Asian, 0.0022%; no homozygotes.

Submission:

GeneDx
Classification: Uncertain significance. Last evaluated: 2023-12-07. Review status: criteria provided, single submitter. Criteria: GeneDx Variant Classification Process June 2021. Collection method: clinical testing. Allele origin: germline. Affected: yes.
Comment: Not observed at significant frequency in large population cohorts (gnomAD); In silico analysis supports that this missense variant does not alter protein structure/function; Has not been previously published as pathogenic or benign to our knowledge

NM_001128225.3(SLC39A13):c.1081G>A (p.Val361Met)

Gene: SLC39A13 (solute carrier family 39 member 13; plus strand). Cytogenetic location: 11p11.2.
Variant type: single nucleotide variant.
Coding change: c.1081G>A on transcript NM_001128225.3 (MANE Select); coding-DNA position 1081, G replaced by A.
Protein change: p.Val361Met; replaces valine 361 with methionine.
Molecular consequence: missense variant. On other transcripts: 3 prime UTR variant (1), non-coding transcript variant (1).
Genome position (GRCh38, 1-based): chr11:47,415,328, G>A. VCF-style: chr11-47415328-G-A. GRCh37 (hg19) VCF-style: chr11-47436879-G-A.
Other names: c.*78G>A (NM_001330245.2); c.1060G>A, p.Val354Met (NM_152264.5); short protein forms V354M, V361M.
Identifiers: ClinVar variation 3342340 (VCV003342340.1).